The following is an entry in ClinVar:

NM_001365999.1(SZT2):c.5816G>A (p.Arg1939Gln)

Gene: SZT2 (SZT2 subunit of KICSTOR complex; plus strand). Cytogenetic location: 1p34.2.
Variant type: single nucleotide variant.
Coding change: c.5816G>A on transcript NM_001365999.1 (MANE Select); coding-DNA position 5816, G replaced by A.
Protein change: p.Arg1939Gln; replaces arginine 1939 with glutamine.
Molecular consequence: missense variant.
Genome position (GRCh38, 1-based): chr1:43,434,397, G>A. VCF-style: chr1-43434397-G-A. GRCh37 (hg19) VCF-style: chr1-43900068-G-A.
Other names: c.5645G>A, p.Arg1882Gln (NM_015284.4); short protein forms R1882Q, R1939Q.
Identifiers: ClinVar variation 652336 (VCV000652336.10), dbSNP rs779576338, ClinGen allele CA809713.

ClinVar aggregate classification (germline): Uncertain significance. Review status: criteria provided, multiple submitters, no conflicts (2 of 4 stars). 3 submissions from 3 submitters: Uncertain significance (3). Last evaluated 2026-02-27.

Conditions:
Developmental and epileptic encephalopathy, 18 (DEE18). Also called: Early infantile epileptic encephalopathy 18. Identifiers: Orphanet 369894, MedGen C3809624, MONDO:0014201, OMIM 615476.

Allele frequency attached by ClinVar (database versions not stated): gnomAD 0.00001 and 0.00003; TOPMed 0.00002; gnomAD exomes 0.00003; ExAC 0.00009.
gnomAD v4.1: 32 of 1,594,144 alleles (0.002%); highest among the groups gnomAD compares: East Asian, 0.0068%; no homozygotes.

Submissions (3):

GeneDx
Classification: Uncertain significance. Last evaluated: 2026-02-27. Review status: criteria provided, single submitter. Criteria: GeneDx Variant Classification Process June 2021. Collection method: clinical testing. Allele origin: germline.
Comment: In silico analysis suggests that this missense variant does not alter protein structure/function; Has not been previously published as pathogenic or benign to our knowledge

Labcorp Genetics (formerly Invitae), Labcorp
Classification: Uncertain significance. Last evaluated: 2023-07-10. Review status: criteria provided, single submitter. Criteria: Invitae Variant Classification Sherloc (09022015). Collection method: clinical testing. Allele origin: germline.
Comment: This variant is present in population databases (rs779576338, gnomAD 0.01%). This sequence change replaces arginine, which is basic and polar, with glutamine, which is neutral and polar, at codon 1882 of the SZT2 protein (p.Arg1882Gln). This variant has not been reported in the literature in individuals affected with SZT2-related conditions. ClinVar contains an entry for this variant (Variation ID: 652336). Advanced modeling of protein sequence and biophysical properties (such as structural, functional, and spatial information, amino acid conservation, physicochemical variation, residue mobility, and thermodynamic stability) performed at Invitae indicates that this missense variant is expected to disrupt SZT2 protein function. In summary, the available evidence is currently insufficient to determine the role of this variant in disease. Therefore, it has been classified as a Variant of Uncertain Significance.

Genome-Nilou Lab
Classification: Uncertain significance for Developmental and epileptic encephalopathy, 18. Last evaluated: 2023-04-11. Review status: criteria provided, single submitter. Criteria: ACMG Guidelines, 2015. Collection method: clinical testing. Allele origin: germline. Affected: no.